The following is an entry in ClinVar:

ClinVar aggregate classification (germline): Likely benign. Review status: criteria provided, multiple submitters, no conflicts (2 of 4 stars). 3 submissions from 3 submitters: Likely benign (2). 1 of the submissions does not count toward it. Last evaluated 2019-12-31.

Conditions:
ANPEP-related disorder. Also called: ANPEP-related condition.

Allele frequency attached by ClinVar (database versions not stated): TOPMed 0.00134; ESP Exome Variant Server 0.00154; 1000 Genomes Project 30x 0.00156; 1000 Genomes Project 0.00160; gnomAD 0.00167 and 0.00175; gnomAD exomes 0.00209; ExAC 0.00194.
gnomAD v4.1: 3,110 of 1,614,230 alleles (0.19%); highest among the groups gnomAD compares: South Asian, 0.35%; 5 homozygotes.

Submissions (3):

Labcorp Genetics (formerly Invitae), Labcorp
Classification: Likely benign. Last evaluated: 2019-12-31. Review status: criteria provided, single submitter. Criteria: Invitae Variant Classification Sherloc (09022015). Collection method: clinical testing. Allele origin: germline.

Breakthrough Genomics
Classification: Likely benign. Review status: criteria provided, single submitter. Criteria: ACMG Guidelines, 2015. Collection method: not provided. Allele origin: germline. Inheritance: Unknown mechanism. Affected: yes.

PreventionGenetics, part of Exact Sciences
Classification: Likely benign for ANPEP-related condition. Last evaluated: 2023-02-20. Review status: no assertion criteria provided. Collection method: clinical testing. Allele origin: germline. Not counted in ClinVar's aggregate classification.
Comment: This variant is classified as likely benign based on ACMG/AMP sequence variant interpretation guidelines (Richards et al. 2015 PMID: 25741868, with internal and published modifications).

NM_001150.3(ANPEP):c.772C>A (p.Leu258Ile)

Gene: ANPEP (alanyl aminopeptidase, membrane; minus strand). Cytogenetic location: 15q26.1.
Variant type: single nucleotide variant.
Coding change: c.772C>A on transcript NM_001150.3 (MANE Select); coding-DNA position 772, C replaced by A.
Protein change: p.Leu258Ile; replaces leucine 258 with isoleucine.
Molecular consequence: missense variant.
Genome position (GRCh38, 1-based): chr15:89,805,203, G>T on the plus strand (C>A on the coding strand, the complement: ANPEP is on the minus strand). VCF-style: chr15-89805203-G-T. GRCh37 (hg19) VCF-style: chr15-90348434-G-T.
Other names: short protein forms L258I.
Identifiers: ClinVar variation 716130 (VCV000716130.7), dbSNP rs146926671, ClinGen allele CA7731510.